The following is an entry in ClinVar:

ClinVar aggregate classification (germline): Likely pathogenic (1 of 4 stars; one submission).

Conditions:
Mucopolysaccharidosis, MPS-II (MPS2). Also called: Attenuated MPS (subtype; formerly known as mild MPS II); Severe MPS II; I2S deficiency; MPS 2; IDS deficiency; Sulfoiduronate sulfatase deficiency. Identifiers: Orphanet 580, Orphanet 79388, MedGen C0026705, MONDO:0010674, OMIM 309900.

Submission:

Labcorp Genetics (formerly Invitae), Labcorp
Classification: Likely pathogenic for Mucopolysaccharidosis, MPS-II. Last evaluated: 2018-01-13. Review status: criteria provided, single submitter. Criteria: Invitae Variant Classification Sherloc (09022015). Collection method: clinical testing. Allele origin: germline.
Comment: This variant is not present in population databases (ExAC no frequency) and has not been reported in the literature in individuals with a IDS-related disease. This sequence change replaces glycine with tryptophan at codon 336 of the IDS protein (p.Gly336Trp). The glycine residue is highly conserved and there is a large physicochemical difference between glycine and tryptophan. This variant also falls at the last nucleotide of exon 7 of the IDS coding sequence, which is part of the consensus splice site for this exon. For these reasons, this variant has been classified as Likely Pathogenic. A different variant affecting this nucleotide (c.1006G>C) has been shown to disrupt RNA splicing and determined as likely pathogenic (PMID: 17063374, Invitae). This suggests that codon 336 is important for normal RNA processing and protein function, and that other variants at this position, such as c.1006G>T, may also be pathogenic. Two different variant affecting this nucleotide, c.1006G>C and c.1006G>A (both cause Gly to Arg change at codon 336) have been reported in individuals affected with Hunter disease (PMID: 17063374, 9266380, 8830188). In addition, other IDS missense changes affecting the same codon c.1007G>A (p.Gly336Glu) and c.1007G>T (p.Gly336Val) have also been reported in affected individuals (PMID: 24125893, 9660053). Nucleotide substitutions within the consensus splice site are relatively common causes of aberrant splicing (PMID: 17576681, 9536098) and according to multiple splice site algorithms this particular variant may affect splicing. These predictions have not been confirmed by published functional studies.

Literature cited by the submitters: PubMed 17063374; PubMed 9266380; PubMed 8830188; PubMed 24125893; PubMed 9660053; PubMed 17576681; PubMed 9536098.

NM_000202.8(IDS):c.1006G>T (p.Gly336Trp)

Genes: IDS (iduronate 2-sulfatase; minus strand), LOC106050102 (IDS recombination region; plus strand). Cytogenetic location: Xq28.
Variant type: single nucleotide variant.
Coding change: c.1006G>T on transcript NM_000202.8 (MANE Select); coding-DNA position 1006, G replaced by T.
Protein change: p.Gly336Trp; replaces glycine 336 with tryptophan.
Molecular consequence: missense variant. On other transcripts: non-coding transcript variant (1).
Genome position (GRCh38, 1-based): chrX:149,490,314, C>A on the plus strand (G>T on the coding strand, the complement: IDS is on the minus strand). VCF-style: chrX-149490314-C-A. GRCh37 (hg19) VCF-style: chrX-148571845-C-A.
Other names: c.736G>T, p.Gly246Trp (NM_001166550.4); c.1006G>T, p.Gly336Cys (NM_006123.5); short protein forms G336W, G246W, G336C.
Identifiers: ClinVar variation 457353 (VCV000457353.8), dbSNP rs1557338581, ClinGen allele CA414519805.